The following is an entry in ClinVar:

NM_000574.5(CD55):c.749C>T (p.Thr250Met)

Gene: CD55 (CD55 molecule (Cromer blood group); plus strand). Cytogenetic location: 1q32.2.
Variant type: single nucleotide variant.
Coding change: c.749C>T on transcript NM_000574.5 (MANE Select); coding-DNA position 749, C replaced by T.
Protein change: p.Thr250Met; replaces threonine 250 with methionine.
Molecular consequence: missense variant. On other transcripts: non-coding transcript variant (1).
Genome position (GRCh38, 1-based): chr1:207,331,192, C>T. VCF-style: chr1-207331192-C-T. GRCh37 (hg19) VCF-style: chr1-207504537-C-T.
Other names: c.749C>T, p.Thr250Met (NM_001114752.3, NM_001300902.2, NM_001300903.2 and 1 more transcripts); short protein forms T250M.
Identifiers: ClinVar variation 1403206 (VCV001403206.3), dbSNP rs566298946, ClinGen allele CA1368094.
Genomic context (GRCh38, chr1:207,331,192, plus strand): 5'-AAATTGACAATGGAATAATTCAAGGGGAACGTGACCATTATGGATATAGACAGTCTGTAA[C>T]GTATGCATGTAATAAAGGATTCACCATGATTGGAGAGCACTCTATTTATTGTACTGTGAA-3'
Protein context (NP_000565.1, residues 240-260): RDHYGYRQSV[Thr250Met]YACNKGFTMI

ClinVar aggregate classification (germline): Uncertain significance (1 of 4 stars; one submission).

Allele frequency attached by ClinVar (database versions not stated): gnomAD 0.00002 and 0.00003; gnomAD exomes 0.00003 and 0.00009; TOPMed 0.00006; ExAC 0.00009; 1000 Genomes Project 30x 0.00016; 1000 Genomes Project 0.00020.

Submission:

Labcorp Genetics (formerly Invitae), Labcorp
Classification: Uncertain significance. Last evaluated: 2022-08-21. Review status: criteria provided, single submitter. Criteria: Invitae Variant Classification Sherloc (09022015). Collection method: clinical testing. Allele origin: germline.
Comment: This sequence change replaces threonine, which is neutral and polar, with methionine, which is neutral and non-polar, at codon 250 of the CD55 protein (p.Thr250Met). This variant is present in population databases (rs566298946, gnomAD 0.09%). This missense change has been observed in individual(s) with Cromer blood group antigen phenotype, but has not been reported in individuals with CD55-related disease (PMID: 10686005, 28104671). This variant is also known as 749C>T, Thr216Met. ClinVar contains an entry for this variant (Variation ID: 1403206). Algorithms developed to predict the effect of missense changes on protein structure and function are either unavailable or do not agree on the potential impact of this missense change (SIFT: "Tolerated"; PolyPhen-2: "Probably Damaging"; Align-GVGD: "Class C0"). Algorithms developed to predict the effect of sequence changes on RNA splicing suggest that this variant may disrupt the consensus splice site. In summary, the available evidence is currently insufficient to determine the role of this variant in disease. Therefore, it has been classified as a Variant of Uncertain Significance.

Literature cited by the submitters: PubMed 10686005; PubMed 28104671.